The following is an entry in ClinVar:

NM_013266.4(CTNNA3):c.1800G>A (p.Val600=)

Gene: CTNNA3 (catenin alpha 3; minus strand). Cytogenetic location: 10q21.3.
Variant type: single nucleotide variant.
Coding change: c.1800G>A on transcript NM_013266.4 (MANE Select); coding-DNA position 1800, G replaced by A.
Protein change: p.Val600=; no amino-acid change (valine 600 retained).
Molecular consequence: synonymous variant.
Genome position (GRCh38, 1-based): chr10:66,280,554, C>T on the plus strand (G>A on the coding strand, the complement: CTNNA3 is on the minus strand). VCF-style: chr10-66280554-C-T. GRCh37 (hg19) VCF-style: chr10-68040312-C-T.
Other names: c.1800G>A, p.Val600= (NM_001127384.3); c.1800G>A (NM_013266.3).
Identifiers: ClinVar variation 1612726 (VCV001612726.11), dbSNP rs137910578, ClinGen allele CA5519814.

ClinVar aggregate classification (germline): Likely benign. Review status: criteria provided, multiple submitters, no conflicts (2 of 4 stars). 3 submissions from 3 submitters: Likely benign (3). Last evaluated 2025-07-09.

Conditions:
CTNNA3-related disorder. Also called: CTNNA3-related condition.
Arrhythmogenic right ventricular dysplasia 13. Also called: ARRHYTHMOGENIC RIGHT VENTRICULAR CARDIOMYOPATHY 13; Arrhythmogenic right ventricular dysplasia, familial, 13. Identifiers: MedGen C3810138, MONDO:0000908, OMIM 615616.

Allele frequency attached by ClinVar (database versions not stated): gnomAD exomes 0.00002; TOPMed 0.00003; gnomAD 0.00004 and 0.00006; ExAC 0.00005; 1000 Genomes Project 30x 0.00094; 1000 Genomes Project 0.00120.
gnomAD v4.1: 48 of 1,609,550 alleles (0.003%); highest among the groups gnomAD compares: Middle Eastern, 0.1%; 1 homozygote.

Submissions (3):

PreventionGenetics, part of Exact Sciences
Classification: Likely benign for CTNNA3-related condition. Last evaluated: 2025-07-09. Review status: criteria provided, single submitter. Criteria: ACMG Guidelines, 2015. Collection method: clinical testing. Allele origin: germline.
Comment: This variant is classified as likely benign based on ACMG/AMP sequence variant interpretation guidelines (Richards et al. 2015 PMID: 25741868, with internal and published modifications).

Labcorp Genetics (formerly Invitae), Labcorp
Classification: Likely benign for Arrhythmogenic right ventricular dysplasia 13. Last evaluated: 2025-07-02. Review status: criteria provided, single submitter. Criteria: Invitae Variant Classification Sherloc (09022015). Collection method: clinical testing. Allele origin: germline.

Ambry Genetics
Classification: Likely benign. Last evaluated: 2022-04-03. Review status: criteria provided, single submitter. Criteria: Ambry Variant Classification Scheme 2023. Collection method: clinical testing. Allele origin: germline.